The following is an entry in ClinVar:

ClinVar aggregate classification (germline): Uncertain significance. Review status: criteria provided, multiple submitters, no conflicts (2 of 4 stars). 2 submissions from 2 submitters: Uncertain significance (2). Last evaluated 2021-11-16.

Conditions:
Hereditary cancer-predisposing syndrome. Also called: Neoplastic Syndromes, Hereditary; Tumor predisposition; Hereditary Cancer Syndrome; Hereditary neoplastic syndrome. Identifiers: Orphanet 140162, MedGen C0027672, MeSH D009386, MONDO:0015356.

Submissions (2):

Color Diagnostics, LLC DBA Color Health
Classification: Uncertain significance for Hereditary cancer-predisposing syndrome. Last evaluated: 2021-11-16. Review status: criteria provided, single submitter. Criteria: ACMG Guidelines, 2015. Collection method: clinical testing. Allele origin: germline.
Comment: This variant causes a deletion of a single amino acid from the kinase domain of the CHEK2 protein. To our knowledge, functional studies have not been reported for this variant. This variant has not been reported in individuals affected with hereditary cancer in the literature. This variant has not been identified in the general population by the Genome Aggregation Database (gnomAD). The available evidence is insufficient to determine the role of this variant in disease conclusively. Therefore, this variant is classified as a Variant of Uncertain Significance.

Ambry Genetics
Classification: Uncertain significance for Hereditary cancer-predisposing syndrome. Last evaluated: 2015-09-09. Review status: criteria provided, single submitter. Criteria: Ambry Variant Classification Scheme 2023. Collection method: clinical testing. Allele origin: germline.
Comment: The c.788_790dupAGG variant (also known as p.E263dup), located in coding exon 5 of the CHEK2 gene, results from an in-frame duplication of 3 nucleotides at positions 788 to 790 and causes the insertion of a glutamate residue at codon 263. This variant was not reported in population based cohorts in the following databases: Database of Single Nucleotide Polymorphisms (dbSNP), NHLBI Exome Sequencing Project (ESP), and 1000 Genomes Project. In the ESP, this variant was not observed in 6503 samples (13006 alleles) with coverage at this position. To date, this alteration has been detected with an allele frequency of approximately 0.001% (greater than 72000 alleles tested) in our clinical cohort. This amino acid position is highly conserved in available vertebrate species. Since supporting evidence is limited at this time, the clinical significance of c.788_790dupAGG remains unclear.

NM_007194.4(CHEK2):c.788_790dup (p.Glu263_Ala264insGlu)

Gene: CHEK2 (checkpoint kinase 2; minus strand). Cytogenetic location: 22q12.1.
Variant type: Duplication.
Coding change: c.788_790dup on transcript NM_007194.4 (MANE Select); coding-DNA positions 788 to 790, 3 bases duplicated (AGG; older notation c.788_790dupAGG).
Protein change: p.Glu263_Ala264insGlu.
Molecular consequence: inframe insertion. On other transcripts: inframe indel (4).
Genome position (GRCh38, 1-based): chr22:28,711,911-28,711,913, CCT duplicated on the plus strand (AGG on the coding strand, the reverse complement: CHEK2 is on the minus strand); duplicating any 3 consecutive bases within chr22:28,711,911-28,711,914 gives the same sequence; the c. name uses the placement nearest the transcript's 3' end. VCF-style (leftmost placement, unchanged base first): chr22-28711910-G-GCCT. GRCh37 (hg19) VCF-style: chr22-29107898-G-GCCT.
Other names: c.916_918dup, p.Glu306_Ala307insGlu (NM_001005735.3); c.124_126dup, p.Glu42_Ala43insGlu (NM_001257387.3); c.586_588dup, p.Glu196_Ala197insGlu (NM_001349956.3); c.787_789dup, p.Glu263_Ala264insGlu (NM_145862.3).
Identifiers: ClinVar variation 233819 (VCV000233819.6), dbSNP rs876660660, ClinGen allele CA10581077.